The following is an entry in ClinVar:

ClinVar aggregate classification (germline): Likely pathogenic (0 of 4 stars; one submission).

Conditions:
TREX1-related disorder. Also called: TREX1-related condition; TREX1-related disorders. Identifiers: MedGen CN239414.

Submission:

PreventionGenetics, part of Exact Sciences
Classification: Likely pathogenic for TREX1-related condition. Last evaluated: 2024-06-10. Review status: no assertion criteria provided. Collection method: clinical testing. Allele origin: germline.
Comment: The TREX1 c.939delG variant is predicted to result in a frameshift and premature protein termination (p.Asn314Thrfs*18). To our knowledge, this variant has not been reported in the literature or in a large population database, indicating this variant is rare. Frameshift variants in TREX1 are expected to be pathogenic and have been reported with both autosomal dominant and recessive TREX1-related conditions. Frameshift variants located after p.Val235 in the more c-terminal end of the gene have been reported in individuals with both autosomal dominant retinal vasculopathy with cerebral leukodystrophy and autosomal recessive Aicardi-Goutieres syndrome 1 (Fig 1 in Rice et al. 2015. PubMed ID: 25731743). In summary, this variant is interpreted as likely pathogenic; however, the mode of inheritance for this variant is uncertain.

NM_033629.6(TREX1):c.774del (p.Asn259fs)

Genes: ATRIP (ATR interacting protein; plus strand), ATRIP-TREX1 (ATRIP-TREX1 readthrough; plus strand), TREX1 (three prime repair exonuclease 1; plus strand). Cytogenetic location: 3p21.31.
Variant type: Deletion.
Coding change: c.774del on transcript NM_033629.6 (MANE Select); coding-DNA position 774, one base deleted (G; older notation c.774delG).
Protein change: p.Asn259fs; shifts the reading frame from asparagine 259.
Molecular consequence: frameshift variant. On other transcripts: non-coding transcript variant (1), 3 prime UTR variant (4).
Genome position (GRCh38, 1-based): chr3:48,467,429, G deleted; the last of 2 consecutive G bases (chr3:48,467,428-48,467,429); deleting either gives the same sequence. VCF-style (leftmost placement, unchanged base first): chr3-48467427-AG-A. GRCh37 (hg19) VCF-style: chr3-48508826-AG-A.
Other names: NM_016381.5:c.939delG; c.744del, p.Asn249fs (NM_007248.5); c.*1875del (NM_001271022.2, NM_001271023.2, NM_032166.4 and 1 more transcripts); short protein forms N249fs, N259fs.
Identifiers: ClinVar variation 3351307 (VCV003351307.1).